The following is an entry in ClinVar:

NM_001384900.1(SEMA3D):c.2119G>T (p.Ala707Ser)

Genes: SEMA3D (semaphorin 3D; minus strand), LOC126860094 (BRD4-independent group 4 enhancer GRCh37_chr7:84628763-84629962; plus strand). Cytogenetic location: 7q21.11.
Variant type: single nucleotide variant.
Coding change: c.2119G>T on transcript NM_001384900.1 (MANE Select); coding-DNA position 2119, G replaced by T.
Protein change: p.Ala707Ser; replaces alanine 707 with serine.
Molecular consequence: missense variant.
Genome position (GRCh38, 1-based): chr7:84,999,655, C>A on the plus strand (G>T on the coding strand, the complement: SEMA3D is on the minus strand). VCF-style: chr7-84999655-C-A. GRCh37 (hg19) VCF-style: chr7-84628971-C-A.
Other names: c.2119G>T, p.Ala707Ser (NM_001384901.1, NM_001384902.1, NM_001384903.1 and 1 more transcripts); short protein forms A707S.
Identifiers: ClinVar variation 4986980 (VCV004986980.1).
Genomic context (GRCh38, chr7:84,999,655, plus strand): 5'-GGCTGAAGTTTGGGCTGCTAAGGATTTGGATGTAGTCTTTGTATCTCAACCGTGACTCAG[C>A]CAATAGATCCTTGACCTTCCCCTCCTCATGCTCTGCCCTCTGGGTATTTTCCATCTGTTC-3'
Protein context (NP_001371829.1, residues 697-717): HEEGKVKDLL[Ala707Ser]ESRLRYKDYI

ClinVar aggregate classification (germline): Uncertain significance (1 of 4 stars; one submission).

Conditions:
SEMA3D-related disorder. Also called: SEMA3D-related condition.

Submission:

PreventionGenetics, part of Exact Sciences
Classification: Uncertain significance for SEMA3D-related condition. Last evaluated: 2026-03-27. Review status: criteria provided, single submitter. Criteria: ACMG Guidelines, 2015. Collection method: clinical testing. Allele origin: germline.
Comment: The SEMA3D c.2119G>T variant is predicted to result in the amino acid substitution p.Ala707Ser. To our knowledge, this variant has not been reported in the literature or in a large population database (gnomAD), indicating this variant is rare. At this time, the clinical significance of this variant is uncertain due to the absence of conclusive functional and genetic evidence.